The following is an entry in ClinVar:

ClinVar aggregate classification (germline): Uncertain significance (1 of 4 stars; one submission).

Conditions:
Glycogen storage disease due to muscle and heart glycogen synthase deficiency. Also called: GSD 0b; MUSCLE GLYCOGEN SYNTHASE DEFICIENCY. Identifiers: Orphanet 137625, MedGen C1969054, MONDO:0012693, OMIM 611556.

Submission:

Labcorp Genetics (formerly Invitae), Labcorp
Classification: Uncertain significance for Glycogen storage disease due to muscle and heart glycogen synthase deficiency. Last evaluated: 2020-12-14. Review status: criteria provided, single submitter. Criteria: Invitae Variant Classification Sherloc (09022015). Collection method: clinical testing. Allele origin: germline.
Comment: This sequence change replaces valine with isoleucine at codon 363 of the GYS1 protein (p.Val363Ile). The valine residue is highly conserved and there is a small physicochemical difference between valine and isoleucine. This variant is not present in population databases (ExAC no frequency). In summary, the available evidence is currently insufficient to determine the role of this variant in disease. Therefore, it has been classified as a Variant of Uncertain Significance. Algorithms developed to predict the effect of missense changes on protein structure and function are either unavailable or do not agree on the potential impact of this missense change (SIFT: "Deleterious"; PolyPhen-2: "Benign"; Align-GVGD: "Class C0"). This variant has not been reported in the literature in individuals with GYS1-related conditions.

NM_002103.5(GYS1):c.1087G>A (p.Val363Ile)

Gene: GYS1 (glycogen synthase 1; minus strand). Cytogenetic location: 19q13.33.
Variant type: single nucleotide variant.
Coding change: c.1087G>A on transcript NM_002103.5 (MANE Select); coding-DNA position 1087, G replaced by A.
Protein change: p.Val363Ile; replaces valine 363 with isoleucine.
Molecular consequence: missense variant. On other transcripts: non-coding transcript variant (1).
Genome position (GRCh38, 1-based): chr19:48,981,612, C>T on the plus strand (G>A on the coding strand, the complement: GYS1 is on the minus strand). VCF-style: chr19-48981612-C-T. GRCh37 (hg19) VCF-style: chr19-49484869-C-T.
Other names: c.895G>A, p.Val299Ile (NM_001161587.2); short protein forms V299I, V363I.
Identifiers: ClinVar variation 1477851 (VCV001477851.8), dbSNP rs1309992388, ClinGen allele CA406763187.